The following is an entry in ClinVar:

NM_012099.3(POLR1G):c.1293T>C (p.Gly431=)

Genes: ERCC1 (ERCC excision repair 1, endonuclease non-catalytic subunit; minus strand), POLR1G (RNA polymerase I subunit G; plus strand). Cytogenetic location: 19q13.32.
Variant type: single nucleotide variant.
Coding change: c.1293T>C on transcript NM_012099.3 (MANE Select); coding-DNA position 1293, T replaced by C.
Protein change: p.Gly431=; no amino-acid change (glycine 431 retained).
Molecular consequence: synonymous variant. On other transcripts: 3 prime UTR variant (10).
Genome position (GRCh38, 1-based): chr19:45,409,261, T>C. VCF-style: chr19-45409261-T-C. GRCh37 (hg19) VCF-style: chr19-45912519-T-C.
Other names: c.1299T>C, p.Gly433= (NM_001297590.3); c.*414A>G (NM_001166049.2, NM_001369412.1, NM_001369413.1 and 7 more transcripts).
Identifiers: ClinVar variation 5041017 (VCV005041017.1).

ClinVar aggregate classification (germline): Likely benign (1 of 4 stars; one submission).

Submission:

CeGaT Center for Human Genetics Tuebingen
Classification: Likely benign. Last evaluated: 2026-09-01. Review status: criteria provided, single submitter. Criteria: CeGaT Center For Human Genetics Tuebingen Variant Classification Criteria Version 2. Collection method: clinical testing. Allele origin: germline. Affected: yes. Observed: 1 variant allele.
Comment: POLR1G: BP4, BP7